The following is an entry in ClinVar:

NM_177972.3(TUB):c.204C>T (p.Ala68=)

Gene: TUB (TUB bipartite transcription factor; plus strand). Cytogenetic location: 11p15.4.
Variant type: single nucleotide variant.
Coding change: c.204C>T on transcript NM_177972.3 (MANE Select); coding-DNA position 204, C replaced by T.
Protein change: p.Ala68=; no amino-acid change (alanine 68 retained).
Molecular consequence: synonymous variant.
Genome position (GRCh38, 1-based): chr11:8,090,182, C>T. VCF-style: chr11-8090182-C-T. GRCh37 (hg19) VCF-style: chr11-8111729-C-T.
Other names: c.369C>T, p.Ala123= (NM_003320.5); c.369C>T (NM_003320.4).
Identifiers: ClinVar variation 1078928 (VCV001078928.12), dbSNP rs779223226, ClinGen allele CA5870994.

ClinVar aggregate classification (germline): Likely benign. Review status: criteria provided, multiple submitters, no conflicts (2 of 4 stars). 3 submissions from 3 submitters: Likely benign (2). 1 of the submissions does not count toward it. Last evaluated 2025-04-17.

Conditions:
TUB-related disorder. Also called: TUB-related condition.

Allele frequency attached by ClinVar (database versions not stated): ExAC 0.00003; gnomAD 0.00003 and 0.00004.
gnomAD v4.1: 54 of 1,613,644 alleles (0.0033%); highest among the groups gnomAD compares: Middle Eastern, 0.016%; no homozygotes.

Submissions (3):

Labcorp Genetics (formerly Invitae), Labcorp
Classification: Likely benign. Last evaluated: 2025-04-17. Review status: criteria provided, single submitter. Criteria: Invitae Variant Classification Sherloc (09022015). Collection method: clinical testing. Allele origin: germline.

Blueprint Genetics
Classification: Likely benign. Last evaluated: 2024-03-08. Review status: criteria provided, single submitter. Criteria: ACMG Guidelines, 2015. Collection method: clinical testing. Allele origin: germline.

PreventionGenetics, part of Exact Sciences
Classification: Likely benign for TUB-related condition. Last evaluated: 2021-09-09. Review status: no assertion criteria provided. Collection method: clinical testing. Allele origin: germline. Not counted in ClinVar's aggregate classification.
Comment: This variant is classified as likely benign based on ACMG/AMP sequence variant interpretation guidelines (Richards et al. 2015 PMID: 25741868, with internal and published modifications).